The following is an entry in ClinVar:

NM_182916.3(TRNT1):c.802+2T>C

Gene: TRNT1 (tRNA nucleotidyl transferase 1; plus strand). Cytogenetic location: 3p26.2.
Variant type: single nucleotide variant.
Coding change: c.802+2T>C on transcript NM_182916.3 (MANE Select); the canonical splice donor site of the intron after coding-DNA position 802, T replaced by C.
Molecular consequence: splice donor variant. On other transcripts: intron variant (1).
Genome position (GRCh38, 1-based): chr3:3,146,625, T>C. VCF-style: chr3-3146625-T-C. GRCh37 (hg19) VCF-style: chr3-3188309-T-C.
Other names: c.802+2T>C (NM_001367321.1, NM_001367323.1, NM_001367322.1); c.742+62T>C (NM_001302946.2).
Identifiers: ClinVar variation 3647370 (VCV003647370.2).

ClinVar aggregate classification (germline): Likely pathogenic (1 of 4 stars; one submission).

Conditions:
Congenital sideroblastic anemia-B-cell immunodeficiency-periodic fever-developmental delay syndrome. Also called: Sideroblastic anemia with B-cell immunodeficiency, periodic fevers, and developmental delay. Identifiers: Orphanet 369861, MedGen C4015172, MONDO:0014487, OMIM 616084.

Submission:

Labcorp Genetics (formerly Invitae), Labcorp
Classification: Likely pathogenic for Congenital sideroblastic anemia-B-cell immunodeficiency-periodic fever-developmental delay syndrome. Last evaluated: 2024-03-23. Review status: criteria provided, single submitter. Criteria: Invitae Variant Classification Sherloc (09022015). Collection method: clinical testing. Allele origin: germline.
Comment: This sequence change affects a donor splice site in intron 6 of the TRNT1 gene. It is expected to disrupt RNA splicing. Variants that disrupt the donor or acceptor splice site typically lead to a loss of protein function (PMID: 16199547), and loss-of-function variants in TRNT1 are known to be pathogenic (PMID: 25193871). This variant is not present in population databases (gnomAD no frequency). This variant has not been reported in the literature in individuals affected with TRNT1-related conditions. Algorithms developed to predict the effect of sequence changes on RNA splicing suggest that this variant may disrupt the consensus splice site. In summary, the currently available evidence indicates that the variant is pathogenic, but additional data are needed to prove that conclusively. Therefore, this variant has been classified as Likely Pathogenic.

Literature cited by the submitters: PubMed 16199547; PubMed 25193871.